The following is an entry in ClinVar:

ClinVar aggregate classification (germline): Likely pathogenic (1 of 4 stars; one submission).

Submission:

GeneDx
Classification: Likely pathogenic. Last evaluated: 2024-02-09. Review status: criteria provided, single submitter. Criteria: GeneDx Variant Classification Process June 2021. Collection method: clinical testing. Allele origin: germline. Affected: yes.
Comment: Not observed at significant frequency in large population cohorts (gnomAD); In silico analysis supports that this missense variant has a deleterious effect on protein structure/function; Has not been previously published as pathogenic or benign to our knowledge

NM_152419.3(HGSNAT):c.1286G>T (p.Gly429Val)

Gene: HGSNAT (heparan-alpha-glucosaminide N-acetyltransferase; plus strand). Cytogenetic location: 8p11.21.
Variant type: single nucleotide variant.
Coding change: c.1286G>T on transcript NM_152419.3 (MANE Select); coding-DNA position 1286, G replaced by T.
Protein change: p.Gly429Val; replaces glycine 429 with valine.
Molecular consequence: missense variant.
Genome position (GRCh38, 1-based): chr8:43,192,339, G>T. VCF-style: chr8-43192339-G-T. GRCh37 (hg19) VCF-style: chr8-43047482-G-T.
Other names: c.1286G>T, p.Gly429Val (NM_001363227.2); c.1094G>T, p.Gly365Val (NM_001363228.2); c.422G>T, p.Gly141Val (NM_001363229.2); short protein forms G141V, G365V, G429V.
Identifiers: ClinVar variation 2572961 (VCV002572961.2), dbSNP rs2487089011, ClinGen allele CA371119608.